The following is an entry in ClinVar:

NM_001873.4(CPE):c.836A>G (p.Gln279Arg)

Gene: CPE (carboxypeptidase E; plus strand). Cytogenetic location: 4q32.3.
Variant type: single nucleotide variant.
Coding change: c.836A>G on transcript NM_001873.4 (MANE Select); coding-DNA position 836, A replaced by G.
Protein change: p.Gln279Arg; replaces glutamine 279 with arginine.
Molecular consequence: missense variant.
Genome position (GRCh38, 1-based): chr4:165,484,467, A>G. VCF-style: chr4-165484467-A-G. GRCh37 (hg19) VCF-style: chr4-166405619-A-G.
Other names: c.836A>G (NM_001873.2); short protein forms Q279R.
Identifiers: ClinVar variation 2634297 (VCV002634297.4), dbSNP rs137887294, ClinGen allele CA3130298.

ClinVar aggregate classification (germline): Uncertain significance. Review status: criteria provided, single submitter (1 of 4 stars). 2 submissions from 2 submitters: Uncertain significance (1). 1 of the submissions does not count toward it. Last evaluated 2024-02-21.

Conditions:
CPE-related disorder. Also called: CPE-related condition.
Inborn genetic diseases. Identifiers: MedGen C0950123, MeSH D030342.

Allele frequency attached by ClinVar (database versions not stated): gnomAD exomes 0.00001; ExAC 0.00004; gnomAD 0.00008; 1000 Genomes Project 30x 0.00016; TOPMed 0.00017; 1000 Genomes Project 0.00020; ESP Exome Variant Server 0.00023.

Submissions (2):

Ambry Genetics
Classification: Uncertain significance for Inborn genetic diseases. Last evaluated: 2024-02-21. Review status: criteria provided, single submitter. Criteria: Ambry Variant Classification Scheme 2023. Collection method: clinical testing. Allele origin: germline.

PreventionGenetics, part of Exact Sciences
Classification: Uncertain significance for CPE-related condition. Last evaluated: 2023-11-17. Review status: no assertion criteria provided. Collection method: clinical testing. Allele origin: germline. Not counted in ClinVar's aggregate classification.
Comment: The CPE c.836A>G variant is predicted to result in the amino acid substitution p.Gln279Arg. To our knowledge, this variant has not been reported in the literature. This variant is reported in 0.040% of alleles in individuals of African descent in gnomAD. At this time, the clinical significance of this variant is uncertain due to the absence of conclusive functional and genetic evidence.